The following is an entry in ClinVar:

NM_001271.4(CHD2):c.2049A>G (p.Glu683=)

Gene: CHD2 (chromodomain helicase DNA binding protein 2; plus strand). Cytogenetic location: 15q26.1.
Variant type: single nucleotide variant.
Coding change: c.2049A>G on transcript NM_001271.4 (MANE Select); coding-DNA position 2049, A replaced by G.
Protein change: p.Glu683=; no amino-acid change (glutamic acid 683 retained).
Molecular consequence: synonymous variant.
Genome position (GRCh38, 1-based): chr15:92,967,373, A>G. VCF-style: chr15-92967373-A-G. GRCh37 (hg19) VCF-style: chr15-93510603-A-G.
Other names: p.Glu683=.
Identifiers: ClinVar variation 257706 (VCV000257706.22), dbSNP rs4777755, ClinGen allele CA7747919.
Genomic context (GRCh38, chr15:92,967,373, plus strand): 5'-TTTCTTCCCTAGGTTTGAATTTTGGGAAGATTTTGAAGAAGACCATGGGAAGGGGAGAGA[A>G]AATGGCTACCAGAGTCTTCATAAGGTGCTAGAGCCTTTCCTTCTCCGGAGAGTCAAAAAA-3'
Protein context (NP_001262.3, residues 673-693): DFEEDHGKGR[Glu683=]NGYQSLHKVL

ClinVar aggregate classification (germline): Benign. Review status: criteria provided, multiple submitters, no conflicts (2 of 4 stars). 9 submissions from 9 submitters: Benign (9). Last evaluated 2026-02-04.

Conditions:
Inborn genetic diseases. Identifiers: MedGen C0950123, MeSH D030342.
Developmental and epileptic encephalopathy 94 (DEE94). Also called: Epileptic encephalopathy, childhood-onset; CHD2-Related Neurodevelopmental Disorders. Identifiers: Orphanet 1942, Orphanet 2382, MedGen C3809278, MONDO:0014150, OMIM 615369.

Allele frequency attached by ClinVar (database versions not stated): ESP Exome Variant Server 0.76559; gnomAD 0.77324 and 0.78244; TOPMed 0.78760; 1000 Genomes Project 30x 0.81558; 1000 Genomes Project 0.82648; ExAC 0.84194; gnomAD exomes 0.84296 and 0.84977.
gnomAD v4.1: 1,349,468 of 1,611,470 alleles (84%); highest among the groups gnomAD compares: East Asian, 100%; 568,521 homozygotes.

Submissions (9):

Labcorp Genetics (formerly Invitae), Labcorp
Classification: Benign for Developmental and epileptic encephalopathy 94. Last evaluated: 2026-02-04. Review status: criteria provided, single submitter. Criteria: Invitae Variant Classification Sherloc (09022015). Collection method: clinical testing. Allele origin: germline.

Unidad de Genómica Garrahan, Hospital de Pediatría Garrahan
Classification: Benign. Last evaluated: 2024-07-15. Review status: criteria provided, single submitter. Criteria: ACMG Guidelines, 2015. Collection method: clinical testing. Allele origin: germline. Affected: no. Observed: 91 variant alleles.
Comment: This variant is classified as Benign based on local population frequency. This variant was detected in 98% of patients studied in a panel designed for Epileptic and Developmental Encephalopathy and Progressive Myoclonus Epilepsy. Number of patients: 91. Only high quality variants are reported.

Genome-Nilou Lab
Classification: Benign for Developmental and epileptic encephalopathy 94. Last evaluated: 2021-07-22. Review status: criteria provided, single submitter. Criteria: ACMG Guidelines, 2015. Collection method: clinical testing. Allele origin: germline. Affected: no.

Mayo Clinic Laboratories, Mayo Clinic
Classification: Benign. Last evaluated: 2018-06-26. Review status: criteria provided, single submitter. Criteria: ACMG Guidelines, 2015. Collection method: clinical testing. Allele origin: germline. Observed: 559 variant alleles.

Athena Diagnostics
Classification: Benign. Last evaluated: 2017-04-20. Review status: criteria provided, single submitter. Criteria: Athena Diagnostics Criteria. Collection method: clinical testing. Allele origin: germline.

Ambry Genetics
Classification: Benign for Inborn genetic diseases. Last evaluated: 2016-01-08. Review status: criteria provided, single submitter. Criteria: Ambry Variant Classification Scheme 2023. Collection method: clinical testing. Allele origin: germline.

GeneDx
Classification: Benign. Last evaluated: 2016-01-07. Review status: criteria provided, single submitter. Criteria: GeneDx Variant Classification (06012015). Collection method: clinical testing. Allele origin: germline. Affected: yes.
Comment: This variant is considered likely benign or benign based on one or more of the following criteria: it is a conservative change, it occurs at a poorly conserved position in the protein, it is predicted to be benign by multiple in silico algorithms, and/or has population frequency not consistent with disease.

Breakthrough Genomics
Classification: Benign. Review status: criteria provided, single submitter. Criteria: ACMG Guidelines, 2015. Collection method: not provided. Allele origin: germline. Inheritance: Autosomal dominant inheritance. Affected: yes.

PreventionGenetics, part of Exact Sciences
Classification: Benign. Review status: criteria provided, single submitter. Criteria: ACMG Guidelines, 2015. Collection method: clinical testing. Allele origin: germline.